The following is an entry in ClinVar:

ClinVar aggregate classification (germline): Likely benign. Review status: criteria provided, multiple submitters, no conflicts (2 of 4 stars). 3 submissions from 3 submitters: Likely benign (3). Last evaluated 2023-10-11.

Conditions:
Cardiomyopathy (CMYO). Also called: Cardiomyopathies. Identifiers: Orphanet 167848, MedGen C0878544, MONDO:0004994, HP:0001638. Inheritance: Various modes of inheritance.
Lethal congenital glycogen storage disease of heart. Also called: GLYCOGEN STORAGE DISEASE OF HEART; PHOSPHORYLASE KINASE DEFICIENCY OF HEART. Identifiers: Orphanet 439854, MedGen C1849813, MONDO:0009867, OMIM 261740.
Hypertrophic cardiomyopathy. Also called: HYPERTROPHIC MYOCARDIOPATHY. Identifiers: Orphanet 217569, MedGen C0007194, MeSH D002312, MONDO:0005045, HP:0001639.

Allele frequency attached by ClinVar (database versions not stated): TOPMed below 0.00001; gnomAD exomes 0.00001.
gnomAD v4.1: 3 of 1,612,540 alleles (0.00019%); highest among the groups gnomAD compares: Non-Finnish European, 0.00025%; no homozygotes.

Submissions (3):

Labcorp Genetics (formerly Invitae), Labcorp
Classification: Likely benign for Lethal congenital glycogen storage disease of heart. Last evaluated: 2023-10-11. Review status: criteria provided, single submitter. Criteria: Invitae Variant Classification Sherloc (09022015). Collection method: clinical testing. Allele origin: germline.

All of Us Research Program, National Institutes of Health
Classification: Likely benign for Hypertrophic cardiomyopathy. Last evaluated: 2022-11-30. Review status: criteria provided, single submitter. Criteria: ACMG Guidelines, 2015. Collection method: clinical testing. Allele origin: germline. Inheritance: Autosomal dominant inheritance. Observed: 1 variant allele, 1 heterozygote.
Comment: This study involves interpretation of variants in research participants for the purpose of population health screening. Participant phenotype was not available at the time of variant classification. Additional details can be found in publication PMID: 35346344, PMCID: PMC8962531

Color Diagnostics, LLC DBA Color Health
Classification: Likely benign for Cardiomyopathy. Last evaluated: 2019-05-28. Review status: criteria provided, single submitter. Criteria: ACMG Guidelines, 2015. Collection method: clinical testing. Allele origin: germline.

NM_016203.4(PRKAG2):c.171G>A (p.Lys57=)

Gene: PRKAG2 (protein kinase AMP-activated non-catalytic subunit gamma 2; minus strand). Cytogenetic location: 7q36.1.
Variant type: single nucleotide variant.
Coding change: c.171G>A on transcript NM_016203.4 (MANE Select); coding-DNA position 171, G replaced by A.
Protein change: p.Lys57=; no amino-acid change (lysine 57 retained).
Molecular consequence: synonymous variant.
Genome position (GRCh38, 1-based): chr7:151,786,485, C>T on the plus strand (G>A on the coding strand, the complement: PRKAG2 is on the minus strand). VCF-style: chr7-151786485-C-T. GRCh37 (hg19) VCF-style: chr7-151483571-C-T.
Other names: c.39G>A, p.Lys13= (NM_001040633.2).
Identifiers: ClinVar variation 922679 (VCV000922679.11), dbSNP rs2077016039, ClinGen allele CA458672086.